The following is an entry in ClinVar:

ClinVar aggregate classification (germline): Pathogenic (1 of 4 stars; one submission).

gnomAD v4.1: 1 of 1,612,904 alleles (0.000062%); highest among the groups gnomAD compares: South Asian, 0.0011%; no homozygotes.

Submission:

Labcorp Genetics (formerly Invitae), Labcorp
Classification: Pathogenic. Last evaluated: 2022-02-20. Review status: criteria provided, single submitter. Criteria: Invitae Variant Classification Sherloc (09022015). Collection method: clinical testing. Allele origin: germline.
Comment: For these reasons, this variant has been classified as Pathogenic. This variant has not been reported in the literature in individuals affected with HPS1-related conditions. This variant is not present in population databases (gnomAD no frequency). This sequence change creates a premature translational stop signal (p.Trp614*) in the HPS1 gene. It is expected to result in an absent or disrupted protein product. Loss-of-function variants in HPS1 are known to be pathogenic (PMID: 12442288, 16185271).

Literature cited by the submitters: PubMed 12442288; PubMed 16185271.

NM_000195.5(HPS1):c.1842G>A (p.Trp614Ter)

Gene: HPS1 (HPS1 biogenesis of lysosomal organelles complex 3 subunit 1; minus strand). Cytogenetic location: 10q24.2.
Variant type: single nucleotide variant.
Coding change: c.1842G>A on transcript NM_000195.5 (MANE Select); coding-DNA position 1842, G replaced by A.
Protein change: p.Trp614Ter; replaces tryptophan 614 with a stop codon.
Molecular consequence: nonsense.
Genome position (GRCh38, 1-based): chr10:98,420,060, C>T on the plus strand (G>A on the coding strand, the complement: HPS1 is on the minus strand). VCF-style: chr10-98420060-C-T. GRCh37 (hg19) VCF-style: chr10-100179817-C-T.
Other names: c.870G>A, p.Trp290Ter (NM_001311345.2, NM_001322487.2, NM_001322489.2); c.1842G>A, p.Trp614Ter (NM_001322476.2, NM_001322477.2); c.1743G>A, p.Trp581Ter (NM_001322478.2, NM_001322479.2); c.1581G>A, p.Trp527Ter (NM_001322480.2, NM_001322481.2); c.1482G>A, p.Trp494Ter (NM_001322482.2); c.1473G>A, p.Trp491Ter (NM_001322483.2, NM_001322484.2); c.1374G>A, p.Trp458Ter (NM_001322485.2); short protein forms W491*, W614*, W494*, W581*, W290*, W458*, W527*.
Identifiers: ClinVar variation 2100467 (VCV002100467.4), dbSNP rs2538759165, ClinGen allele CA378043470.